The following is an entry in ClinVar:

ClinVar aggregate classification (germline): Pathogenic/Likely pathogenic. Review status: criteria provided, multiple submitters, no conflicts (2 of 4 stars). 3 submissions from 3 submitters: Pathogenic (2); Likely pathogenic (1). Last evaluated 2026-02-19.

Conditions:
Hereditary nonpolyposis colon cancer (HNPCC). Also called: Hereditary nonpolyposis colorectal cancer; Familial nonpolyposis colon cancer; Hereditary Nonpolyposis Colorectal Cancer Syndrome. Identifiers: Orphanet 443909, MedGen C1333990, MONDO:0018630. Disease mechanism: loss of function.
Hereditary nonpolyposis colorectal neoplasms. Identifiers: MedGen C0009405, MeSH D003123.
Lynch syndrome 5 (LYNCH5). Also called: Colorectal cancer, hereditary nonpolyposis, type 5; Hereditary non-polyposis colorectal cancer, type 5. Identifiers: Orphanet 144, MedGen C1833477, MONDO:0013710, OMIM 614350. Disease mechanism: loss of function.

Submissions (3):

Myriad Genetics, Inc.
Classification: Pathogenic for Lynch syndrome 5. Last evaluated: 2026-02-19. Review status: criteria provided, single submitter. Criteria: Myriad Autosomal Dominant, Autosomal Recessive and X-Linked Classification Criteria (2023). Collection method: clinical testing. Allele origin: unknown.
Comment: This variant is considered pathogenic. This variant creates a frameshift predicted to result in premature protein truncation.

Women's Health and Genetics/Laboratory Corporation of America, LabCorp
Classification: Likely pathogenic for Lynch syndrome. Last evaluated: 2019-07-11. Review status: criteria provided, single submitter. Criteria: LabCorp Variant Classification Summary - May 2015. Collection method: clinical testing. Allele origin: germline.
Comment: Variant summary: MSH6 c.517_520delCTGA (p.Leu173GlufsX10) results in a premature termination codon, predicted to cause a truncation of the encoded protein or absence of the protein due to nonsense mediated decay, which are commonly known mechanisms for disease. Truncations downstream of this position have been classified as pathogenic by our laboratory. The variant was absent in 251438 control chromosomes (gnomAD). To our knowledge, no occurrence of c.517_520delCTGA in individuals affected with Hereditary Non-Polyposis Colon Cancer and no experimental evidence demonstrating its impact on protein function have been reported. A ClinVar submission (evaluation after 2014) cites the variant as pathogenic. Based on the evidence outlined above, the variant was classified as likely pathogenic.

Labcorp Genetics (formerly Invitae), Labcorp
Classification: Pathogenic for Hereditary nonpolyposis colorectal neoplasms. Last evaluated: 2017-02-18. Review status: criteria provided, single submitter. Criteria: Invitae Variant Classification Sherloc (09022015). Collection method: clinical testing. Allele origin: germline.
Comment: For these reasons, this variant has been classified as Pathogenic. While this particular variant has not been reported in the literature, loss-of-function variants in MSH6 are known to be pathogenic (PMID: 24362816, 18269114). This sequence change deletes 4 nucleotides from exon 3 of the MSH6 mRNA (c.517_520delCTGA), causing a frameshift at codon 173. This creates a premature translational stop signal (p.Leu173Glufs*10) and is expected to result in an absent or disrupted protein product.

Literature cited by the submitters: PubMed 24362816 (cited by Labcorp Genetics (formerly Invitae), Labcorp); PubMed 18269114 (cited by Labcorp Genetics (formerly Invitae), Labcorp).

NM_000179.3(MSH6):c.517_520del (p.Leu173fs)

Gene: MSH6 (mutS homolog 6; plus strand). Cytogenetic location: 2p16.3.
Variant type: Deletion.
Coding change: c.517_520del on transcript NM_000179.3 (MANE Select); coding-DNA positions 517 to 520, 4 bases deleted (CTGA; older notation c.517_520delCTGA).
Protein change: p.Leu173fs; shifts the reading frame from leucine 173.
Molecular consequence: frameshift variant. On other transcripts: 5 prime UTR variant (1), intron variant (2).
Genome position (GRCh38, 1-based): chr2:47,795,953-47,795,956, CTGA deleted; deleting any 4 consecutive bases within chr2:47,795,952-47,795,956 gives the same sequence; the c. name uses the placement nearest the transcript's 3' end. VCF-style (leftmost placement, unchanged base first): chr2-47795951-TACTG-T. GRCh37 (hg19) VCF-style: chr2-48023090-TACTG-T.
Other names: c.-386_-383del (NM_001281494.2); c.-279-2658_-279-2655del (NM_001281493.2); c.238-2658_238-2655del (NM_001281492.2); c.517_520delCTGA (NM_000179.2); short protein forms L173fs.
Identifiers: ClinVar variation 455328 (VCV000455328.9), dbSNP rs1553411419, ClinGen allele CA658655693.